The following is an entry in ClinVar:

NM_001035.3(RYR2):c.2951G>C (p.Ser984Thr)

Gene: RYR2 (ryanodine receptor 2; plus strand). Cytogenetic location: 1q43.
Variant type: single nucleotide variant.
Coding change: c.2951G>C on transcript NM_001035.3 (MANE Select); coding-DNA position 2951, G replaced by C.
Protein change: p.Ser984Thr; replaces serine 984 with threonine.
Molecular consequence: missense variant.
Genome position (GRCh38, 1-based): chr1:237,548,475, G>C. VCF-style: chr1-237548475-G-C. GRCh37 (hg19) VCF-style: chr1-237711775-G-C.
Other names: short protein forms S984T.
Identifiers: ClinVar variation 2454029 (VCV002454029.7), dbSNP rs730880188, ClinGen allele CA345393513.
Genomic context (GRCh38, chr1:237,548,475, plus strand): 5'-TGTCTCTGATTTGTAGTTACCAGCTGACAAGTGGATACAAGCCTGCCCCTATGGACCTGA[G>C]CTTTATCAAACTCACCCCATCACAAGAAGCAATGGTGGACAAGTTGGCAGAAAATGCACA-3'
Protein context (NP_001026.2, residues 974-994): SGYKPAPMDL[Ser984Thr]FIKLTPSQEA

ClinVar aggregate classification (germline): Uncertain significance. Review status: criteria provided, multiple submitters, no conflicts (2 of 4 stars). 4 submissions from 4 submitters: Uncertain significance (4). Last evaluated 2025-10-03.

Conditions:
Cardiomyopathy (CMYO). Also called: Cardiomyopathies. Identifiers: Orphanet 167848, MedGen C0878544, MONDO:0004994, HP:0001638. Inheritance: Various modes of inheritance.
Catecholaminergic polymorphic ventricular tachycardia (CVPT). Also called: Catecholamine-induced polymorphic ventricular tachycardia. Identifiers: Orphanet 3286, MedGen C5574922, MONDO:0017990.
Catecholaminergic polymorphic ventricular tachycardia 1. Also called: VENTRICULAR TACHYCARDIA, STRESS-INDUCED POLYMORPHIC 1; VENTRICULAR TACHYCARDIA, CATECHOLAMINERGIC POLYMORPHIC, 1, WITH OR WITHOUT ATRIAL DYSFUNCTION AND/OR DILATED CARDIOMYOPATHY; RYR2-Related Catecholaminergic Polymorphic Ventricular Tachycardia. Identifiers: Orphanet 3286, MedGen C1631597, MONDO:0011484, OMIM 604772.
Cardiovascular phenotype. Identifiers: MedGen CN230736.

Submissions (4):

Color Diagnostics, LLC DBA Color Health
Classification: Uncertain significance for Cardiomyopathy. Last evaluated: 2025-10-03. Review status: criteria provided, single submitter. Criteria: ACMG Guidelines, 2015. Collection method: clinical testing. Allele origin: germline.
Comment: This missense variant replaces serine with threonine at codon 984 of the RYR2 protein. Computational prediction suggests that this variant may not impact protein structure and function. To our knowledge, functional studies have not been reported for this variant. This variant has not been reported in individuals affected with RYR2-related disorders in the literature. This variant has not been identified in the general population by the Genome Aggregation Database (gnomAD). The available evidence is insufficient to determine the role of this variant in disease conclusively. Therefore, this variant is classified as a Variant of Uncertain Significance.

Labcorp Genetics (formerly Invitae), Labcorp
Classification: Uncertain significance for Catecholaminergic polymorphic ventricular tachycardia 1. Last evaluated: 2024-08-13. Review status: criteria provided, single submitter. Criteria: Invitae Variant Classification Sherloc (09022015). Collection method: clinical testing. Allele origin: germline.
Comment: This sequence change replaces serine, which is neutral and polar, with threonine, which is neutral and polar, at codon 984 of the RYR2 protein (p.Ser984Thr). This variant is not present in population databases (gnomAD no frequency). This variant has not been reported in the literature in individuals affected with RYR2-related conditions. ClinVar contains an entry for this variant (Variation ID: 2454029). Invitae Evidence Modeling of protein sequence and biophysical properties (such as structural, functional, and spatial information, amino acid conservation, physicochemical variation, residue mobility, and thermodynamic stability) indicates that this missense variant is not expected to disrupt RYR2 protein function with a negative predictive value of 95%. In summary, the available evidence is currently insufficient to determine the role of this variant in disease. Therefore, it has been classified as a Variant of Uncertain Significance.

All of Us Research Program, National Institutes of Health
Classification: Uncertain significance for Catecholaminergic polymorphic ventricular tachycardia. Last evaluated: 2023-06-28. Review status: criteria provided, single submitter. Criteria: ACMG Guidelines, 2015. Collection method: clinical testing. Allele origin: germline. Inheritance: Autosomal dominant inheritance. Observed: 1 variant allele, 1 heterozygote.
Comment: This study involves interpretation of variants in research participants for the purpose of population health screening. Participant phenotype was not available at the time of variant classification. Additional details can be found in publication PMID: 35346344, PMCID: PMC8962531

Ambry Genetics
Classification: Uncertain significance for Cardiovascular phenotype. Last evaluated: 2023-03-15. Review status: criteria provided, single submitter. Criteria: Ambry Variant Classification Scheme 2023. Collection method: clinical testing. Allele origin: germline.
Comment: The p.S984T variant (also known as c.2951G>C), located in coding exon 26 of the RYR2 gene, results from a G to C substitution at nucleotide position 2951. The serine at codon 984 is replaced by threonine, an amino acid with similar properties. This amino acid position is well conserved in available vertebrate species. In addition, this alteration is predicted to be tolerated by in silico analysis. Since supporting evidence is limited at this time, the clinical significance of this alteration remains unclear.